The following is an entry in ClinVar:

ClinVar aggregate classification (germline): Conflicting classifications of pathogenicity. Review status: criteria provided, conflicting classifications (1 of 4 stars). 3 submissions from 3 submitters: Uncertain significance (2); Likely benign (1). Last evaluated 2025-10-11.

Conditions:
Inborn genetic diseases. Identifiers: MedGen C0950123, MeSH D030342.
RP1-related disorder. Also called: RP1-related condition.

Allele frequency attached by ClinVar (database versions not stated): gnomAD exomes below 0.00001 and 0.00002; ExAC 0.00001; TOPMed 0.00004; gnomAD 0.00005; ESP Exome Variant Server 0.00015.

Submissions (3):

Labcorp Genetics (formerly Invitae), Labcorp
Classification: Uncertain significance. Last evaluated: 2025-10-11. Review status: criteria provided, single submitter. Criteria: Invitae Variant Classification Sherloc (09022015). Collection method: clinical testing. Allele origin: germline.
Comment: This sequence change replaces lysine, which is basic and polar, with arginine, which is basic and polar, at codon 1653 of the RP1 protein (p.Lys1653Arg). This variant is present in population databases (rs146619855, gnomAD 0.007%). This variant has not been reported in the literature in individuals affected with RP1-related conditions. ClinVar contains an entry for this variant (Variation ID: 963009). An algorithm developed to predict the effect of missense changes on protein structure and function outputs the following: PolyPhen-2: "Benign". The arginine amino acid residue is found in multiple mammalian species, which suggests that this missense change does not adversely affect protein function. In summary, the available evidence is currently insufficient to determine the role of this variant in disease. Therefore, it has been classified as a Variant of Uncertain Significance.

PreventionGenetics, part of Exact Sciences
Classification: Uncertain significance for RP1-related condition. Last evaluated: 2025-05-29. Review status: criteria provided, single submitter. Criteria: ACMG Guidelines, 2015. Collection method: clinical testing. Allele origin: germline.
Comment: The RP1 c.4958A>G variant is predicted to result in the amino acid substitution p.Lys1653Arg. To our knowledge, this variant has not been reported in the literature. This variant is present in 0.0040% of alleles in individuals of African descent in gnomAD. At this time, the clinical significance of this variant is uncertain due to the absence of conclusive functional and genetic evidence.

Ambry Genetics
Classification: Likely benign for Inborn genetic diseases. Last evaluated: 2021-12-20. Review status: criteria provided, single submitter. Criteria: Ambry Variant Classification Scheme 2023. Collection method: clinical testing. Allele origin: germline.

NM_006269.2(RP1):c.4958A>G (p.Lys1653Arg)

Genes: RP1 (RP1 axonemal microtubule associated; plus strand), LOC126860392 (CDK7 strongly-dependent group 2 enhancer GRCh37_chr8:55541319-55542518; plus strand). Cytogenetic location: 8q12.1.
Variant type: single nucleotide variant.
Coding change: c.4958A>G on transcript NM_006269.2 (MANE Select); coding-DNA position 4958, A replaced by G.
Protein change: p.Lys1653Arg; replaces lysine 1653 with arginine.
Molecular consequence: missense variant. On other transcripts: intron variant (1).
Genome position (GRCh38, 1-based): chr8:54,628,840, A>G. VCF-style: chr8-54628840-A-G. GRCh37 (hg19) VCF-style: chr8-55541400-A-G.
Other names: c.787+6552A>G (NM_001375654.1); short protein forms K1653R.
Identifiers: ClinVar variation 963009 (VCV000963009.12), dbSNP rs146619855, ClinGen allele CA4751979.
Genomic context (GRCh38, chr8:54,628,840, plus strand): 5'-AAAAACTGTACGGTAAAGCAGATATTATCAAACCATCTTTTTTTCCTGGGTCTACCCGCA[A>G]ATCTCAGGTTTGTCCTTATAATTCTGTGGAATTTCAGTGTTCCAGGAAAGCAAGTCTTTA-3'
Protein context (NP_006260.1, residues 1643-1663): KPSFFPGSTR[Lys1653Arg]SQVCPYNSVE